The following is an entry in ClinVar:

NM_206933.4(USH2A):c.5935G>A (p.Val1979Ile)

Gene: USH2A (usherin; minus strand). Cytogenetic location: 1q41.
Variant type: single nucleotide variant.
Coding change: c.5935G>A on transcript NM_206933.4 (MANE Select); coding-DNA position 5935, G replaced by A.
Protein change: p.Val1979Ile; replaces valine 1979 with isoleucine.
Molecular consequence: missense variant.
Genome position (GRCh38, 1-based): chr1:216,070,215, C>T on the plus strand (G>A on the coding strand, the complement: USH2A is on the minus strand). VCF-style: chr1-216070215-C-T. GRCh37 (hg19) VCF-style: chr1-216243557-C-T.
Other names: short protein forms V1979I.
Identifiers: ClinVar variation 1994661 (VCV001994661.4), dbSNP rs763385436, ClinGen allele CA1395295.

ClinVar aggregate classification (germline): Uncertain significance (1 of 4 stars; one submission).

Allele frequency attached by ClinVar (database versions not stated): ExAC 0.00002.
gnomAD v4.1: 2 of 1,613,976 alleles (0.00012%); highest among the groups gnomAD compares: Non-Finnish European, 0.00017%; no homozygotes.

Submission:

Labcorp Genetics (formerly Invitae), Labcorp
Classification: Uncertain significance. Last evaluated: 2022-09-27. Review status: criteria provided, single submitter. Criteria: Invitae Variant Classification Sherloc (09022015). Collection method: clinical testing. Allele origin: germline.
Comment: This sequence change replaces valine, which is neutral and non-polar, with isoleucine, which is neutral and non-polar, at codon 1979 of the USH2A protein (p.Val1979Ile). This variant is present in population databases (rs763385436, gnomAD 0.0009%). This variant has not been reported in the literature in individuals affected with USH2A-related conditions. Advanced modeling of protein sequence and biophysical properties (such as structural, functional, and spatial information, amino acid conservation, physicochemical variation, residue mobility, and thermodynamic stability) performed at Invitae indicates that this missense variant is not expected to disrupt USH2A protein function. In summary, the available evidence is currently insufficient to determine the role of this variant in disease. Therefore, it has been classified as a Variant of Uncertain Significance.